The following is an entry in ClinVar:

NM_018249.6(CDK5RAP2):c.4208G>A (p.Arg1403Gln)

Gene: CDK5RAP2 (CDK5 regulatory subunit associated protein 2; minus strand). Cytogenetic location: 9q33.2.
Variant type: single nucleotide variant.
Coding change: c.4208G>A on transcript NM_018249.6 (MANE Select); coding-DNA position 4208, G replaced by A.
Protein change: p.Arg1403Gln; replaces arginine 1403 with glutamine.
Molecular consequence: missense variant. On other transcripts: non-coding transcript variant (5).
Genome position (GRCh38, 1-based): chr9:120,415,129, C>T on the plus strand (G>A on the coding strand, the complement: CDK5RAP2 is on the minus strand). VCF-style: chr9-120415129-C-T. GRCh37 (hg19) VCF-style: chr9-123177407-C-T.
Other names: c.4208G>A, p.Arg1403Gln (NM_001011649.3); c.3518G>A, p.Arg1173Gln (NM_001272039.2); c.4109G>A, p.Arg1370Gln (NM_001410992.1); c.4112G>A, p.Arg1371Gln (NM_001410993.1); c.4205G>A, p.Arg1402Gln (NM_001410994.1); short protein forms R1371Q, R1173Q, R1403Q, R1402Q, R1370Q.
Identifiers: ClinVar variation 1959417 (VCV001959417.6), dbSNP rs767034315, ClinGen allele CA5213629.

ClinVar aggregate classification (germline): Uncertain significance. Review status: criteria provided, multiple submitters, no conflicts (2 of 4 stars). 2 submissions from 2 submitters: Uncertain significance (2). Last evaluated 2021-12-08.

Allele frequency attached by ClinVar (database versions not stated): TOPMed 0.00002; ExAC 0.00003.
gnomAD v4.1: 16 of 1,614,090 alleles (0.00099%); highest among the groups gnomAD compares: East Asian, 0.0022%; no homozygotes.

Submissions (2):

Labcorp Genetics (formerly Invitae), Labcorp
Classification: Uncertain significance. Last evaluated: 2021-12-08. Review status: criteria provided, single submitter. Criteria: Invitae Variant Classification Sherloc (09022015). Collection method: clinical testing. Allele origin: germline.
Comment: This sequence change replaces arginine, which is basic and polar, with glutamine, which is neutral and polar, at codon 1403 of the CDK5RAP2 protein (p.Arg1403Gln). This variant is present in population databases (rs767034315, gnomAD 0.03%). This variant has not been reported in the literature in individuals affected with CDK5RAP2-related conditions. Algorithms developed to predict the effect of missense changes on protein structure and function (SIFT, PolyPhen-2, Align-GVGD) all suggest that this variant is likely to be disruptive. In summary, the available evidence is currently insufficient to determine the role of this variant in disease. Therefore, it has been classified as a Variant of Uncertain Significance.

Breakthrough Genomics
Classification: Uncertain significance. Review status: criteria provided, single submitter. Criteria: ACMG Guidelines, 2015. Collection method: not provided. Allele origin: germline. Inheritance: Autosomal recessive inheritance. Affected: yes.